The following is an entry in ClinVar:

NM_021098.3(CACNA1H):c.1715_1716del (p.Val572fs)

Gene: CACNA1H (calcium voltage-gated channel subunit alpha1 H; plus strand). Cytogenetic location: 16p13.3.
Variant type: Microsatellite.
Coding change: c.1715_1716del on transcript NM_021098.3 (MANE Select); coding-DNA positions 1715 to 1716, 2 bases deleted (TG; older notation c.1715_1716delTG).
Protein change: p.Val572fs; shifts the reading frame from valine 572.
Molecular consequence: frameshift variant.
Genome position (GRCh38, 1-based): chr16:1,202,165-1,202,166, TG deleted; deleting any 2 consecutive bases within chr16:1,202,163-1,202,166 gives the same sequence; the c. name uses the placement nearest the transcript's 3' end. VCF-style (leftmost placement, unchanged base first): chr16-1202162-CTG-C. GRCh37 (hg19) VCF-style: chr16-1252162-CTG-C.
Other names: c.1715_1716del, p.Val572fs (NM_001005407.2); short protein forms V572fs.
Identifiers: ClinVar variation 1355896 (VCV001355896.8), dbSNP rs2141259958, ClinGen allele CA2580613355.

ClinVar aggregate classification (germline): Uncertain significance. Review status: criteria provided, multiple submitters, no conflicts (2 of 4 stars). 2 submissions from 2 submitters: Uncertain significance (2). Last evaluated 2025-08-29.

Conditions:
Idiopathic generalized epilepsy. Also called: Generalised epilepsy; EIG. Identifiers: MedGen C0270850, MONDO:0005579, OMIM 600669.
Hyperaldosteronism, familial, type IV (HALD4). Also called: FH IV; ALDOSTERONISM, PRIMARY, AND HYPERTENSION. Identifiers: Orphanet 642671, MedGen C4310756, MONDO:0014875, OMIM 617027.

Submissions (2):

Dasa
Classification: Uncertain significance. Last evaluated: 2025-08-29. Review status: criteria provided, single submitter. Criteria: DASA Assertion Criteria. Collection method: clinical testing. Allele origin: germline.
Comment: NM_021098.3(CACNA1H):c.1715_1716del (p.Val572Alafs*83) is a frameshift variant in CACNA1H predicted to alter the reading frame and introduce a premature termination codon. This variant is absent from population databases. The currently available literature and clinical evidence are not sufficient to establish a definitive association between this variant and the reported condition. Therefore, this variant is classified as a variant of uncertain significance.

Labcorp Genetics (formerly Invitae), Labcorp
Classification: Uncertain significance for Idiopathic generalized epilepsy; Hyperaldosteronism, familial, type IV. Last evaluated: 2021-05-21. Review status: criteria provided, single submitter. Criteria: Invitae Variant Classification Sherloc (09022015). Collection method: clinical testing. Allele origin: germline.
Comment: This variant has not been reported in the literature in individuals with CACNA1H-related conditions. The frequency data for this variant in the population databases is considered unreliable, as metrics indicate insufficient coverage at this position in the ExAC database. This sequence change creates a premature translational stop signal (p.Val572Alafs*83) in the CACNA1H gene. It is expected to result in an absent or disrupted protein product. However, the current clinical and genetic evidence is not sufficient to establish whether loss-of-function variants in CACNA1H cause disease. In summary, the available evidence is currently insufficient to determine the role of this variant in disease. Therefore, it has been classified as a Variant of Uncertain Significance.